The following is an entry in ClinVar:

NM_006767.4(LZTR1):c.419T>A (p.Ile140Asn)

Gene: LZTR1 (leucine zipper like post translational regulator 1; plus strand). Cytogenetic location: 22q11.21.
Variant type: single nucleotide variant.
Coding change: c.419T>A on transcript NM_006767.4 (MANE Select); coding-DNA position 419, T replaced by A.
Protein change: p.Ile140Asn; replaces isoleucine 140 with asparagine.
Molecular consequence: missense variant.
Genome position (GRCh38, 1-based): chr22:20,988,028, T>A. VCF-style: chr22-20988028-T-A. GRCh37 (hg19) VCF-style: chr22-21342317-T-A.
Other names: short protein forms I140N.
Identifiers: ClinVar variation 2629887 (VCV002629887.1), dbSNP rs2518613217, ClinGen allele CA410779673.

ClinVar aggregate classification (germline): Uncertain significance (1 of 4 stars; one submission).

Conditions:
LZTR1-related disorder. Also called: LZTR1-related disorders; LZTR1-related condition.

Submission:

PreventionGenetics, part of Exact Sciences
Classification: Uncertain significance for LZTR1-related condition. Last evaluated: 2023-01-13. Review status: criteria provided, single submitter. Criteria: ACMG Guidelines, 2015. Collection method: clinical testing. Allele origin: germline.
Comment: The LZTR1 c.419T>A variant is predicted to result in the amino acid substitution p.Ile140Asn. To our knowledge, this variant has not been reported in the literature or in a large population database, indicating this variant is rare. At this time, the clinical significance of this variant is uncertain due to the absence of conclusive functional and genetic evidence.